The following is an entry in ClinVar:

NM_000051.4(ATM):c.638_651del (p.Phe213fs)

Gene: ATM (ATM serine/threonine kinase; plus strand). Cytogenetic location: 11q22.3.
Variant type: Deletion.
Coding change: c.638_651del on transcript NM_000051.4 (MANE Select); coding-DNA positions 638 to 651, 14 bases deleted (TTTCCAAGGCTATT).
Protein change: p.Phe213fs; shifts the reading frame from phenylalanine 213.
Molecular consequence: frameshift variant.
Genome position (GRCh38, 1-based): chr11:108,244,094-108,244,107, TTTCCAAGGCTATT deleted; deleting any 14 consecutive bases within chr11:108,244,092-108,244,107 gives the same sequence; the c. name uses the placement nearest the transcript's 3' end. VCF-style (leftmost placement, unchanged base first): chr11-108244091-TTTTTTCCAAGGCTA-T. GRCh37 (hg19) VCF-style: chr11-108114818-TTTTTTCCAAGGCTA-T.
Other names: c.638_651del, p.Phe213fs (NM_001351834.2); short protein forms F213fs.
Identifiers: ClinVar variation 4856749 (VCV004856749.1).

ClinVar aggregate classification (germline): Pathogenic (1 of 4 stars; one submission).

Conditions:
Familial cancer of breast. Also called: BREAST CANCER, FAMILIAL; Hereditary breast cancer; hereditary breast carcinoma. Identifiers: Orphanet 227535, MedGen C0346153, MONDO:0016419, OMIM 114480. Disease mechanism: loss of function.

Submission:

Myriad Genetics, Inc.
Classification: Pathogenic for Familial cancer of breast. Last evaluated: 2026-02-24. Review status: criteria provided, single submitter. Criteria: Myriad Autosomal Dominant, Autosomal Recessive and X-Linked Classification Criteria (2023). Collection method: clinical testing. Allele origin: unknown.
Comment: This variant is considered pathogenic. This variant creates a frameshift predicted to result in premature protein truncation.